The following is an entry in ClinVar:

NM_001739.2(CA5A):c.787C>T (p.Arg263Cys)

Gene: CA5A (carbonic anhydrase 5A; minus strand). Cytogenetic location: 16q24.2.
Variant type: single nucleotide variant.
Coding change: c.787C>T on transcript NM_001739.2 (MANE Select); coding-DNA position 787, C replaced by T.
Protein change: p.Arg263Cys; replaces arginine 263 with cysteine.
Molecular consequence: missense variant. On other transcripts: non-coding transcript variant (2), intron variant (1).
Genome position (GRCh38, 1-based): chr16:87,888,260, G>A on the plus strand (C>T on the coding strand, the complement: CA5A is on the minus strand). VCF-style: chr16-87888260-G-A. GRCh37 (hg19) VCF-style: chr16-87921866-G-A.
Other names: c.774+3539C>T (NM_001367225.1); short protein forms R263C.
Identifiers: ClinVar variation 2156176 (VCV002156176.1), dbSNP rs764205965, ClinGen allele CA8223255.

ClinVar aggregate classification (germline): Uncertain significance (1 of 4 stars; one submission).

Conditions:
Hyperammonemic encephalopathy due to carbonic anhydrase VA deficiency. Also called: Carbonic Anhydrase VA Deficiency; Carbonic anhydrase VA deficiency, hyperammonemia due to. Identifiers: Orphanet 401948, MedGen C4706871, MONDO:0014332, OMIM 615751.

Allele frequency attached by ClinVar (database versions not stated): ExAC 0.00002; gnomAD 0.00003; TOPMed 0.00003.

Submission:

Labcorp Genetics (formerly Invitae), Labcorp
Classification: Uncertain significance for Hyperammonemic encephalopathy due to carbonic anhydrase VA deficiency. Last evaluated: 2022-06-09. Review status: criteria provided, single submitter. Criteria: Invitae Variant Classification Sherloc (09022015). Collection method: clinical testing. Allele origin: germline.
Comment: This sequence change replaces arginine, which is basic and polar, with cysteine, which is neutral and slightly polar, at codon 263 of the CA5A protein (p.Arg263Cys). This variant is present in population databases (rs764205965, gnomAD 0.006%). This variant has not been reported in the literature in individuals affected with CA5A-related conditions. Algorithms developed to predict the effect of missense changes on protein structure and function (SIFT, PolyPhen-2, Align-GVGD) all suggest that this variant is likely to be disruptive. In summary, the available evidence is currently insufficient to determine the role of this variant in disease. Therefore, it has been classified as a Variant of Uncertain Significance.